The following is an entry in ClinVar:

NM_003611.3(OFD1):c.1055A>C (p.Lys352Thr)

Gene: OFD1 (OFD1 centriole and centriolar satellite protein; plus strand). Cytogenetic location: Xp22.2.
Variant type: single nucleotide variant.
Coding change: c.1055A>C on transcript NM_003611.3 (MANE Select); coding-DNA position 1055, A replaced by C.
Protein change: p.Lys352Thr; replaces lysine 352 with threonine.
Molecular consequence: missense variant. On other transcripts: intron variant (1).
Genome position (GRCh38, 1-based): chrX:13,751,368, A>C. VCF-style: chrX-13751368-A-C. GRCh37 (hg19) VCF-style: chrX-13769487-A-C.
Other names: p.Lys352Thr; c.635A>C, p.Lys212Thr (NM_001330210.2); c.935+1835A>C (NM_001330209.2); short protein forms K212T, K352T.
Identifiers: ClinVar variation 1969900 (VCV001969900.7), dbSNP rs779494159, ClinGen allele CA10351733.

ClinVar aggregate classification (germline): Uncertain significance. Review status: criteria provided, multiple submitters, no conflicts (2 of 4 stars). 2 submissions from 2 submitters: Uncertain significance (2). Last evaluated 2024-10-14.

Conditions:
Joubert syndrome. Also called: CEREBELLOPARENCHYMAL DISORDER IV; JOUBERT-BOLTSHAUSER SYNDROME; Familial aplasia of the vermis. Identifiers: Orphanet 475, MedGen C5979921, MONDO:0018772.
Orofaciodigital syndrome I (OFD1). Also called: OFDS I; Papillon-Leage and Psaume Syndrome; Oral-Facial-Digital Syndrome Type I. Identifiers: Orphanet 2750, MedGen C1510460, MONDO:0010702, OMIM 311200.

Allele frequency attached by ClinVar (database versions not stated): TOPMed 0.00001; gnomAD exomes below 0.00001; ExAC 0.00001; gnomAD 0.00001.
gnomAD v4.1: 2 of 1,193,149 alleles (0.00017%); highest among the groups gnomAD compares: Non-Finnish European, 0.00023%; no homozygotes.

Submissions (3):

Mayo Clinic Laboratories, Mayo Clinic
Classification: Uncertain significance. Last evaluated: 2024-10-14. Review status: criteria provided, single submitter. Criteria: ACMG Guidelines, 2015. Collection method: clinical testing. Allele origin: germline. Observed: 1 variant allele.

Labcorp Genetics (formerly Invitae), Labcorp
Classification: Uncertain significance for Orofaciodigital syndrome I; Joubert syndrome. Last evaluated: 2022-02-25. Review status: criteria provided, single submitter. Criteria: Invitae Variant Classification Sherloc (09022015). Collection method: clinical testing. Allele origin: germline.
Comment: This sequence change replaces lysine, which is basic and polar, with threonine, which is neutral and polar, at codon 352 of the OFD1 protein (p.Lys352Thr). In summary, the available evidence is currently insufficient to determine the role of this variant in disease. Therefore, it has been classified as a Variant of Uncertain Significance. Algorithms developed to predict the effect of missense changes on protein structure and function (SIFT, PolyPhen-2, Align-GVGD) all suggest that this variant is likely to be disruptive. This variant has not been reported in the literature in individuals affected with OFD1-related conditions. This variant is present in population databases (rs779494159, gnomAD 0.001%).

Dr. Peter K. Rogan Lab, Western University
No classification provided (evidence only). Condition: Ovarian serous cystadenocarcinoma. Review status: no classification provided. Collection method: in vitro. Allele origin: not applicable. Functional consequence: retained intron. Not counted in ClinVar's aggregate classification.